The following is an entry in ClinVar:

NM_000217.3(KCNA1):c.585C>G (p.Asp195Glu)

Gene: KCNA1 (potassium voltage-gated channel subfamily A member 1; plus strand). Cytogenetic location: 12p13.32.
Variant type: single nucleotide variant.
Coding change: c.585C>G on transcript NM_000217.3 (MANE Select); coding-DNA position 585, C replaced by G.
Protein change: p.Asp195Glu; replaces aspartic acid 195 with glutamic acid.
Molecular consequence: missense variant.
Genome position (GRCh38, 1-based): chr12:4,911,963, C>G. VCF-style: chr12-4911963-C-G. GRCh37 (hg19) VCF-style: chr12-5021129-C-G.
Other names: short protein forms D195E.
Identifiers: ClinVar variation 855826 (VCV000855826.9), dbSNP rs1947354740, ClinGen allele CA383454886.
Genomic context (GRCh38, chr12:4,911,963, plus strand): 5'-GGTCATCCTCATCTCCATCGTCATCTTTTGCCTGGAGACGCTCCCCGAGCTGAAGGATGA[C>G]AAGGACTTCACGGGCACCGTCCACCGCATCGACAACACCACGGTCATCTACAATTCCAAC-3'
Protein context (NP_000208.2, residues 185-205): CLETLPELKD[Asp195Glu]KDFTGTVHRI

ClinVar aggregate classification (germline): Uncertain significance (1 of 4 stars; one submission).

Conditions:
Episodic ataxia type 1 (EA1). Also called: PAROXYSMAL ATAXIA WITH NEUROMYOTONIA, HEREDITARY; ATAXIA, EPISODIC, WITH MYOKYMIA; Episodic ataxia/myokymia syndrome; MYOKYMIA WITH PERIODIC ATAXIA. Identifiers: Orphanet 37612, Orphanet 972, MedGen C1719788, MONDO:0008047, OMIM 160120.

Submission:

Labcorp Genetics (formerly Invitae), Labcorp
Classification: Uncertain significance for Episodic ataxia type 1. Last evaluated: 2024-04-05. Review status: criteria provided, single submitter. Criteria: Invitae Variant Classification Sherloc (09022015). Collection method: clinical testing. Allele origin: germline.
Comment: This sequence change replaces aspartic acid, which is acidic and polar, with glutamic acid, which is acidic and polar, at codon 195 of the KCNA1 protein (p.Asp195Glu). This variant is not present in population databases (gnomAD no frequency). This variant has not been reported in the literature in individuals affected with KCNA1-related conditions. ClinVar contains an entry for this variant (Variation ID: 855826). Advanced modeling of protein sequence and biophysical properties (such as structural, functional, and spatial information, amino acid conservation, physicochemical variation, residue mobility, and thermodynamic stability) performed at Invitae indicates that this missense variant is not expected to disrupt KCNA1 protein function with a negative predictive value of 80%. In summary, the available evidence is currently insufficient to determine the role of this variant in disease. Therefore, it has been classified as a Variant of Uncertain Significance.